The following is an entry in ClinVar:

NM_031844.3(HNRNPU):c.1592A>G (p.Asn531Ser)

Gene: HNRNPU (heterogeneous nuclear ribonucleoprotein U; minus strand). Cytogenetic location: 1q44.
Variant type: single nucleotide variant.
Coding change: c.1592A>G on transcript NM_031844.3 (MANE Select); coding-DNA position 1592, A replaced by G.
Protein change: p.Asn531Ser; replaces asparagine 531 with serine.
Molecular consequence: missense variant.
Genome position (GRCh38, 1-based): chr1:244,857,620, T>C on the plus strand (A>G on the coding strand, the complement: HNRNPU is on the minus strand). VCF-style: chr1-244857620-T-C. GRCh37 (hg19) VCF-style: chr1-245020922-T-C.
Other names: c.1535A>G, p.Asn512Ser (NM_004501.3); short protein forms N512S, N531S.
Identifiers: ClinVar variation 640469 (VCV000640469.9), dbSNP rs1573331208, ClinGen allele CA345490665.

ClinVar aggregate classification (germline): Uncertain significance (1 of 4 stars; one submission).

Conditions:
Developmental and epileptic encephalopathy, 54. Also called: Epileptic encephalopathy, early infantile, 54; HNRNPU-Related Neurodevelopmental Disorder. Identifiers: MedGen C4479319, MONDO:0033363, OMIM 617391.

Submission:

Labcorp Genetics (formerly Invitae), Labcorp
Classification: Uncertain significance for Developmental and epileptic encephalopathy, 54. Last evaluated: 2018-08-01. Review status: criteria provided, single submitter. Criteria: Invitae Variant Classification Sherloc (09022015). Collection method: clinical testing. Allele origin: germline.
Comment: In summary, the available evidence is currently insufficient to determine the role of this variant in disease. Therefore, it has been classified as a Variant of Uncertain Significance. This sequence change replaces asparagine with serine at codon 531 of the HNRNPU protein (p.Asn531Ser). The asparagine residue is moderately conserved and there is a small physicochemical difference between asparagine and serine. This variant is not present in population databases (ExAC no frequency). This variant has not been reported in the literature in individuals with HNRNPU-related disease.